The following is an entry in ClinVar:

ClinVar aggregate classification (germline): Uncertain significance (1 of 4 stars; one submission).

Conditions:
Familial cancer of breast. Also called: hereditary breast carcinoma; BREAST CANCER, FAMILIAL; Hereditary breast cancer. Identifiers: Orphanet 227535, MedGen C0346153, MONDO:0016419, OMIM 114480. Disease mechanism: loss of function.

Submission:

Labcorp Genetics (formerly Invitae), Labcorp
Classification: Uncertain significance for Familial cancer of breast. Last evaluated: 2025-03-07. Review status: criteria provided, single submitter. Criteria: Invitae Variant Classification Sherloc (09022015). Collection method: clinical testing. Allele origin: germline.
Comment: This sequence change replaces glutamic acid, which is acidic and polar, with valine, which is neutral and non-polar, at codon 359 of the CHEK2 protein (p.Glu359Val). This variant is not present in population databases (gnomAD no frequency). This variant has not been reported in the literature in individuals affected with CHEK2-related conditions. An algorithm developed to predict the effect of missense changes on protein structure and function (PolyPhen-2) suggests that this variant is likely to be tolerated. Algorithms developed to predict the effect of sequence changes on RNA splicing suggest that this variant may disrupt the consensus splice site. In summary, the available evidence is currently insufficient to determine the role of this variant in disease. Therefore, it has been classified as a Variant of Uncertain Significance.

NM_007194.4(CHEK2):c.1076A>T (p.Glu359Val)

Gene: CHEK2 (checkpoint kinase 2; minus strand). Cytogenetic location: 22q12.1.
Variant type: single nucleotide variant.
Coding change: c.1076A>T on transcript NM_007194.4 (MANE Select); coding-DNA position 1076, A replaced by T.
Protein change: p.Glu359Val; replaces glutamic acid 359 with valine.
Molecular consequence: missense variant. On other transcripts: intron variant (3).
Genome position (GRCh38, 1-based): chr22:28,696,920, T>A on the plus strand (A>T on the coding strand, the complement: CHEK2 is on the minus strand). VCF-style: chr22-28696920-T-A. GRCh37 (hg19) VCF-style: chr22-29092908-T-A.
Other names: c.1205A>T, p.Glu402Val (NM_001005735.3); c.413A>T, p.Glu138Val (NM_001257387.3, NM_001437942.1); c.875A>T, p.Glu292Val (NM_001349956.3); c.1169A>T, p.Glu390Val (NM_001438293.1); c.1009-1047A>T (NM_145862.3); c.1102-1047A>T (NM_001438295.1); c.1138-1047A>T (NM_001438294.1); short protein forms E138V, E292V, E402V, E359V, E390V.
Identifiers: ClinVar variation 4714466 (VCV004714466.1).